The following is an entry in ClinVar:

ClinVar aggregate classification (germline): Pathogenic (1 of 4 stars; one submission).

Allele frequency attached by ClinVar (database versions not stated): gnomAD exomes below 0.00001.
gnomAD v4.1: 2 of 1,210,846 alleles (0.00017%); highest among the groups gnomAD compares: Non-Finnish European, 0.00011%; no homozygotes.

Submission:

Labcorp Genetics (formerly Invitae), Labcorp
Classification: Pathogenic. Last evaluated: 2025-12-03. Review status: criteria provided, single submitter. Criteria: Invitae Variant Classification Sherloc (09022015). Collection method: clinical testing. Allele origin: germline.
Comment: This sequence change creates a premature translational stop signal (p.Glu1470*) in the NEXMIF gene. It is expected to result in an absent or disrupted protein product. Loss-of-function variants in NEXMIF are known to be pathogenic (PMID: 23615299). This variant is not present in population databases (gnomAD no frequency). This variant has not been reported in the literature in individuals affected with NEXMIF-related conditions. ClinVar contains an entry for this variant (Variation ID: 2841917). Algorithms developed to predict the effect of sequence changes on RNA splicing suggest that this variant may disrupt the consensus splice site. For these reasons, this variant has been classified as Pathogenic.

Literature cited by the submitters: PubMed 23615299.

NM_001008537.3(NEXMIF):c.4408G>T (p.Glu1470Ter)

Gene: NEXMIF (neurite extension and migration factor; minus strand). Cytogenetic location: Xq13.3.
Variant type: single nucleotide variant.
Coding change: c.4408G>T on transcript NM_001008537.3 (MANE Select); coding-DNA position 4408, G replaced by T.
Protein change: p.Glu1470Ter; replaces glutamic acid 1470 with a stop codon.
Molecular consequence: nonsense.
Genome position (GRCh38, 1-based): chrX:74,740,149, C>A on the plus strand (G>T on the coding strand, the complement: NEXMIF is on the minus strand). VCF-style: chrX-74740149-C-A. GRCh37 (hg19) VCF-style: chrX-73959984-C-A.
Other names: short protein forms E1470*.
Identifiers: ClinVar variation 2841917 (VCV002841917.3), dbSNP rs2519910893, ClinGen allele CA413663341.